The following is an entry in ClinVar:

NM_003730.6(RNASET2):c.741C>A (p.Phe247Leu)

Gene: RNASET2 (ribonuclease T2; minus strand). Cytogenetic location: 6q27.
Variant type: single nucleotide variant.
Coding change: c.741C>A on transcript NM_003730.6 (MANE Select); coding-DNA position 741, C replaced by A.
Protein change: p.Phe247Leu; replaces phenylalanine 247 with leucine.
Molecular consequence: missense variant.
Genome position (GRCh38, 1-based): chr6:166,929,618, G>T on the plus strand (C>A on the coding strand, the complement: RNASET2 is on the minus strand). VCF-style: chr6-166929618-G-T. GRCh37 (hg19) VCF-style: chr6-167343106-G-T.
Other names: short protein forms F247L.
Identifiers: ClinVar variation 356026 (VCV000356026.14), dbSNP rs140357917, ClinGen allele CA4094803.
Genomic context (GRCh38, chr6:166,929,618, plus strand): 5'-TTAAAACAGAATATTTCCAAAACTTGGGCATCAATGCTTGGTCTTTTTAGGTGGGGGATA[G>T]AAGACTGGGCCATCTTCACAGACTCTCAGACCCCGGCTCTCGGCGGCCCCATTTGCCAGC-3'
Protein context (NP_003721.2, residues 237-256): GLRVCEDGPV[Phe247Leu]YPPPKKTKH

ClinVar aggregate classification (germline): Likely benign. Review status: criteria provided, multiple submitters, no conflicts (2 of 4 stars). 3 submissions from 3 submitters: Likely benign (3). Last evaluated 2025-11-10.

Conditions:
Cystic leukoencephalopathy without megalencephaly. Identifiers: Orphanet 85136, MedGen C2751843, MONDO:0013058, OMIM 612951.

Allele frequency attached by ClinVar (database versions not stated): ESP Exome Variant Server 0.00008; gnomAD exomes 0.00021 and 0.00071; gnomAD 0.00024 and 0.00030; TOPMed 0.00037; ExAC 0.00064; 1000 Genomes Project 30x 0.00125; 1000 Genomes Project 0.00140.
gnomAD v4.1: 398 of 1,614,182 alleles (0.025%); highest among the groups gnomAD compares: East Asian, 0.37%; 2 homozygotes.

Submissions (3):

Labcorp Genetics (formerly Invitae), Labcorp
Classification: Likely benign. Last evaluated: 2025-11-10. Review status: criteria provided, single submitter. Criteria: Invitae Variant Classification Sherloc (09022015). Collection method: clinical testing. Allele origin: germline.

Blueprint Genetics
Classification: Likely benign. Last evaluated: 2024-04-08. Review status: criteria provided, single submitter. Criteria: ACMG Guidelines, 2015. Collection method: clinical testing. Allele origin: germline.

Illumina Laboratory Services, Illumina
Classification: Likely benign for Cystic leukoencephalopathy without megalencephaly. Last evaluated: 2018-01-12. Review status: criteria provided, single submitter. Criteria: ICSL Variant Classification Criteria 13 December 2019. Collection method: clinical testing. Allele origin: germline.
Comment: This variant was observed in the ICSL laboratory as part of a predisposition screen in an ostensibly healthy population. It had not been previously curated by ICSL or reported in the Human Gene Mutation Database (HGMD: prior to June 1st, 2018), and was therefore a candidate for classification through an automated scoring system. Utilizing variant allele frequency, disease prevalence and penetrance estimates, and inheritance mode, an automated score was calculated to assess if this variant is too frequent to cause the disease. Based on the score and internal cut-off values, a variant classified as likely benign is not then subjected to further curation. The score for this variant resulted in a classification of likely benign for this disease.